The following is an entry in ClinVar:

ClinVar aggregate classification (germline): Likely benign (0 of 4 stars; one submission).

Conditions:
ASPH-related disorder. Also called: ASPH-related condition.

Submission:

PreventionGenetics, part of Exact Sciences
Classification: Likely benign for ASPH-related condition. Last evaluated: 2019-04-16. Review status: no assertion criteria provided. Collection method: clinical testing. Allele origin: germline.
Comment: This variant is classified as likely benign based on ACMG/AMP sequence variant interpretation guidelines (Richards et al. 2015 PMID: 25741868, with internal and published modifications).

NM_004318.4(ASPH):c.791-5_791-3dup

Gene: ASPH (aspartate beta-hydroxylase; minus strand). Cytogenetic location: 8q12.3.
Variant type: Duplication.
Coding change: c.791-5_791-3dup on transcript NM_004318.4 (MANE Select); 5 bases into the intron before coding-DNA position 791 through 3 bases into the intron before coding-DNA position 791, 3 bases duplicated (TTT; older notation c.791-5_791-3dupTTT).
Molecular consequence: intron variant.
Genome position (GRCh38, 1-based): chr8:61,638,366-61,638,368, AAA duplicated on the plus strand (TTT on the coding strand, the reverse complement: ASPH is on the minus strand); duplicating any 3 consecutive bases within chr8:61,638,366-61,638,378 gives the same sequence; the c. name uses the placement nearest the transcript's 3' end. VCF-style (leftmost placement, unchanged base first): chr8-61638365-T-TAAA. GRCh37 (hg19) VCF-style: chr8-62550924-T-TAAA.
Other names: c.322+42600_322+42602dup (NM_001413901.1); c.323-19349_323-19347dup (NM_001413909.1); c.530-5_530-3dup (NM_001413895.1, NM_001413894.1); c.587-8_587-6dup (NM_001413884.1); c.587-5_587-3dup (NM_001413890.1, NM_001413883.1); c.716-5_716-3dup (NM_001413862.1); c.490+12682_490+12684dup (NM_001413900.1); c.491-4641_491-4639dup (NM_001413898.1); and 32 more.
Identifiers: ClinVar variation 3057772 (VCV003057772.2), dbSNP rs34108497, ClinGen allele CA4762014.